The following is an entry in ClinVar:

ClinVar aggregate classification (germline): Uncertain significance (1 of 4 stars; one submission).

Conditions:
Inborn genetic diseases. Identifiers: MedGen C0950123, MeSH D030342.

Allele frequency attached by ClinVar (database versions not stated): TOPMed 0.00001.

Submission:

Ambry Genetics
Classification: Uncertain significance for Inborn genetic diseases. Last evaluated: 2025-10-14. Review status: criteria provided, single submitter. Criteria: Ambry Variant Classification Scheme 2023. Collection method: clinical testing. Allele origin: germline.
Comment: The p.I768V variant (also known as c.2302A>G), located in coding exon 18 of the BUB1B gene, results from an A to G substitution at nucleotide position 2302. The isoleucine at codon 768 is replaced by valine, an amino acid with highly similar properties. This amino acid position is conserved. In addition, this alteration is predicted to be tolerated by in silico analysis. Since supporting evidence is limited at this time, the clinical significance of this alteration remains unclear.

NM_001211.6(BUB1B):c.2302A>G (p.Ile768Val)

Gene: BUB1B (BUB1 mitotic checkpoint serine/threonine kinase B; plus strand). Cytogenetic location: 15q15.1.
Variant type: single nucleotide variant.
Coding change: c.2302A>G on transcript NM_001211.6 (MANE Select); coding-DNA position 2302, A replaced by G.
Protein change: p.Ile768Val; replaces isoleucine 768 with valine.
Molecular consequence: missense variant.
Genome position (GRCh38, 1-based): chr15:40,210,127, A>G. VCF-style: chr15-40210127-A-G. GRCh37 (hg19) VCF-style: chr15-40502328-A-G.
Other names: short protein forms I768V.
Identifiers: ClinVar variation 1789307 (VCV001789307.3), dbSNP rs1448466298, ClinGen allele CA391694834.